The following is an entry in ClinVar:

ClinVar aggregate classification (germline): Uncertain significance (1 of 4 stars; one submission).

Conditions:
Neurofibromatosis, type 2 (SWNV). Also called: BILATERAL ACOUSTIC NEUROFIBROMATOSIS; SCHWANNOMATOSIS, VESTIBULAR; NF2-Related Schwannomatosis. Identifiers: Orphanet 637, MedGen C0027832, MONDO:0007039, OMIM 101000. Disease mechanism: loss of function.

Submission:

Labcorp Genetics (formerly Invitae), Labcorp
Classification: Uncertain significance for Neurofibromatosis, type 2. Last evaluated: 2024-06-03. Review status: criteria provided, single submitter. Criteria: Invitae Variant Classification Sherloc (09022015). Collection method: clinical testing. Allele origin: germline.
Comment: This sequence change replaces glutamic acid, which is acidic and polar, with alanine, which is neutral and non-polar, at codon 537 of the NF2 protein (p.Glu537Ala). This variant is not present in population databases (gnomAD no frequency). This variant has not been reported in the literature in individuals affected with NF2-related conditions. ClinVar contains an entry for this variant (Variation ID: 1470191). Advanced modeling of protein sequence and biophysical properties (such as structural, functional, and spatial information, amino acid conservation, physicochemical variation, residue mobility, and thermodynamic stability) performed at Invitae indicates that this missense variant is not expected to disrupt NF2 protein function with a negative predictive value of 80%. In summary, the available evidence is currently insufficient to determine the role of this variant in disease. Therefore, it has been classified as a Variant of Uncertain Significance.

NM_000268.4(NF2):c.1610A>C (p.Glu537Ala)

Gene: NF2 (NF2, moesin-ezrin-radixin like (MERLIN) tumor suppressor; plus strand). Cytogenetic location: 22q12.2.
Variant type: single nucleotide variant.
Coding change: c.1610A>C on transcript NM_000268.4 (MANE Select); coding-DNA position 1610, A replaced by C.
Protein change: p.Glu537Ala; replaces glutamic acid 537 with alanine.
Molecular consequence: missense variant. On other transcripts: non-coding transcript variant (1), intron variant (1).
Genome position (GRCh38, 1-based): chr22:29,681,474, A>C. VCF-style: chr22-29681474-A-C. GRCh37 (hg19) VCF-style: chr22-30077463-A-C.
Other names: c.1610A>C, p.Glu537Ala (NM_016418.5, NM_181825.3, NM_181832.3); c.1484A>C, p.Glu495Ala (NM_181828.3); c.1487A>C, p.Glu496Ala (NM_181829.3); c.1361A>C, p.Glu454Ala (NM_181830.3, NM_181831.3); c.448-13278A>C (NM_181833.3); short protein forms E454A, E537A, E495A, E496A.
Identifiers: ClinVar variation 1470191 (VCV001470191.8), dbSNP rs2147122594, ClinGen allele CA411150068.